The following is an entry in ClinVar:

NM_016247.4(IMPG2):c.*690TA[5]

Gene: IMPG2 (interphotoreceptor matrix proteoglycan 2; minus strand). Cytogenetic location: 3q12.3.
Variant type: Microsatellite.
Coding change: c.*690TA[5] on transcript NM_016247.4 (MANE Select); five copies in a row of the 2-base unit TA starting at c.*690; the reference has 27 copies in a row; 22 copies, 44 bases deleted.
Molecular consequence: 3 prime UTR variant.
Genome position (GRCh38, 1-based): chr3:101,226,226-101,226,269, 44 bases deleted; deleting any 44 consecutive bases within chr3:101,226,226-101,226,280 gives the same sequence; the position shown is the placement nearest the transcript's 3' end. GRCh37 (hg19), VCF-style position (the base before the change): chr3:100,945,069.
Identifiers: ClinVar variation 2654006 (VCV002654006.24), dbSNP rs66908707, ClinGen allele CA896186470.
Genomic context (GRCh38, chr3:101,226,225, plus strand): 5'-CACTCCCTCCCTGCCCATGTGATTAAATTTGTCTTTAGATTAATGGGAATCTTCTAAACT[TTATATATATATATATATATATATATATATATATATATATATATA>T]TATATATATATGCATTCATCCTGAAAACTAAGAAAAAAAGGATATTAACATAGTTAACAT-3'

ClinVar aggregate classification (germline): Likely benign (1 of 4 stars; one submission).

Submission:

CeGaT Center for Human Genetics Tuebingen
Classification: Likely benign. Last evaluated: 2023-06-01. Review status: criteria provided, single submitter. Criteria: CeGaT Center For Human Genetics Tuebingen Variant Classification Criteria Version 2. Collection method: clinical testing. Allele origin: germline. Affected: yes. Observed: 4 variant alleles.
Comment: IMPG2: BS2